The following is an entry in ClinVar:

NM_014159.7(SETD2):c.1291G>T (p.Asp431Tyr)

Gene: SETD2 (SET domain containing 2, histone lysine methyltransferase; minus strand). Cytogenetic location: 3p21.31.
Variant type: single nucleotide variant.
Coding change: c.1291G>T on transcript NM_014159.7 (MANE Select); coding-DNA position 1291, G replaced by T.
Protein change: p.Asp431Tyr; replaces aspartic acid 431 with tyrosine.
Molecular consequence: missense variant. On other transcripts: non-coding transcript variant (1).
Genome position (GRCh38, 1-based): chr3:47,123,345, C>A on the plus strand (G>T on the coding strand, the complement: SETD2 is on the minus strand). VCF-style: chr3-47123345-C-A. GRCh37 (hg19) VCF-style: chr3-47164835-C-A.
Other names: c.1159G>T, p.Asp387Tyr (NM_001349370.3); short protein forms D387Y, D431Y.
Identifiers: ClinVar variation 3903150 (VCV003903150.1).

ClinVar aggregate classification (germline): Uncertain significance (1 of 4 stars; one submission).

gnomAD v4.1: 1 of 1,551,680 alleles (0.000064%); highest among the groups gnomAD compares: South Asian, 0.0012%; no homozygotes.

Submission:

GeneDx
Classification: Uncertain significance. Last evaluated: 2024-12-16. Review status: criteria provided, single submitter. Criteria: GeneDx Variant Classification Process June 2021. Collection method: clinical testing. Allele origin: germline. Affected: yes.
Comment: Not observed at significant frequency in large population cohorts (gnomAD); In silico analysis supports that this missense variant has a deleterious effect on protein structure/function; Has not been previously published as pathogenic or benign to our knowledge